The following is an entry in ClinVar:

ClinVar aggregate classification (germline): Likely benign (1 of 4 stars; one submission).

Submission:

CeGaT Center for Human Genetics Tuebingen
Classification: Likely benign. Last evaluated: 2025-05-01. Review status: criteria provided, single submitter. Criteria: CeGaT Center For Human Genetics Tuebingen Variant Classification Criteria Version 2. Collection method: clinical testing. Allele origin: germline. Affected: yes. Observed: 1 variant allele.
Comment: NACA: BP4, BP7

NM_001365896.1(NACA):c.3642C>A (p.Pro1214=)

Gene: NACA (nascent polypeptide associated complex subunit alpha; minus strand). Cytogenetic location: 12q13.3.
Variant type: single nucleotide variant.
Coding change: c.3642C>A on transcript NM_001365896.1 (MANE Select); coding-DNA position 3642, C replaced by A.
Protein change: p.Pro1214=; no amino-acid change (proline 1214 retained).
Molecular consequence: synonymous variant. On other transcripts: intron variant (6).
Genome position (GRCh38, 1-based): chr12:56,717,888, G>T on the plus strand (C>A on the coding strand, the complement: NACA is on the minus strand). VCF-style: chr12-56717888-G-T. GRCh37 (hg19) VCF-style: chr12-57111672-G-T.
Other names: c.71-3201C>A (NM_001113202.2, NM_001320194.2, NM_001320193.2 and 2 more transcripts); c.1864+1649C>A (NM_001113203.3).
Identifiers: ClinVar variation 3905262 (VCV003905262.10).